The following is an entry in ClinVar:

NM_002474.3(MYH11):c.4407T>A (p.Asp1469Glu)

Genes: MYH11 (myosin heavy chain 11; minus strand), NDE1 (nudE neurodevelopment protein 1; plus strand). Cytogenetic location: 16p13.11.
Variant type: single nucleotide variant.
Coding change: c.4407T>A on transcript NM_002474.3 (MANE Select); coding-DNA position 4407, T replaced by A.
Protein change: p.Asp1469Glu; replaces aspartic acid 1469 with glutamic acid.
Molecular consequence: missense variant. On other transcripts: intron variant (2).
Genome position (GRCh38, 1-based): chr16:15,721,593, A>T on the plus strand (T>A on the coding strand, the complement: MYH11 is on the minus strand). VCF-style: chr16-15721593-A-T. GRCh37 (hg19) VCF-style: chr16-15815450-A-T.
Other names: c.4407T>A (NM_002474.2); c.4428T>A, p.Asp1476Glu (NM_001040113.2, NM_001040114.2); c.4407T>A, p.Asp1469Glu (NM_022844.3); c.948-2598A>T (NM_001143979.2, NM_017668.3); short protein forms D1469E, D1476E.
Identifiers: ClinVar variation 927459 (VCV000927459.12), dbSNP rs901607947, ClinGen allele CA278602750.

ClinVar aggregate classification (germline): Conflicting classifications of pathogenicity. Review status: criteria provided, conflicting classifications (1 of 4 stars). 5 submissions from 5 submitters: Uncertain significance (4); Likely benign (1). Last evaluated 2025-11-20.

Conditions:
Aortic aneurysm, familial thoracic 4 (AAT4). Also called: AORTIC ANEURYSM/AORTIC DISSECTION AND PATENT DUCTUS ARTERIOSUS. Identifiers: MedGen C1851504, MONDO:0007568, OMIM 132900.
Familial thoracic aortic aneurysm and aortic dissection (TAAD). Also called: Thoracic aortic aneurysms and dissections. Identifiers: Orphanet 91387, MedGen C4707243, MONDO:0019625.

Allele frequency attached by ClinVar (database versions not stated): gnomAD exomes below 0.00001; TOPMed 0.00002.
gnomAD v4.1: 1 of 1,614,068 alleles (0.000062%); highest among the groups gnomAD compares: Non-Finnish European, 0.000085%; no homozygotes.

Submissions (5):

Color Diagnostics, LLC DBA Color Health
Classification: Uncertain significance for Familial thoracic aortic aneurysm and aortic dissection. Last evaluated: 2025-11-20. Review status: criteria provided, single submitter. Criteria: ACMG Guidelines, 2015. Collection method: clinical testing. Allele origin: germline.
Comment: This missense variant replaces aspartic acid with glutamic acid at codon 1476 of the MYH11 protein. Computational prediction suggests that this variant may not impact protein structure and function. To our knowledge, functional studies have not been reported for this variant. This variant has not been reported in individuals affected with MYH11-related disorders in the literature. This variant has been identified in 1/1614068 chromosomes in the general population by the Genome Aggregation Database (gnomAD). The available evidence is insufficient to determine the role of this variant in disease conclusively. Therefore, this variant is classified as a Variant of Uncertain Significance.

GeneDx
Classification: Uncertain significance. Last evaluated: 2024-10-28. Review status: criteria provided, single submitter. Criteria: GeneDx Variant Classification Process June 2021. Collection method: clinical testing. Allele origin: germline. Affected: yes.
Comment: Has not been previously published as pathogenic or benign to our knowledge; Not observed at significant frequency in large population cohorts (gnomAD); In silico analysis indicates that this missense variant does not alter protein structure/function

All of Us Research Program, National Institutes of Health
Classification: Uncertain significance for Familial thoracic aortic aneurysm and aortic dissection. Last evaluated: 2024-05-30. Review status: criteria provided, single submitter. Criteria: ACMG Guidelines, 2015. Collection method: clinical testing. Allele origin: germline. Inheritance: Autosomal dominant inheritance. Observed: 3 variant alleles, 3 heterozygotes.
Comment: Variant of Uncertain Significance due to insufficient evidence: This missense variant is located in the coiled coil myosin tail domain of the MYH11 protein. Computational prediction tools and conservation analyses suggest that this variant may not impact the protein function. Computational splicing tools suggest that this variant may not impact RNA splicing. To our knowledge, functional assays have not been performed for this variant nor has this variant been reported in individuals affected with cardiovascular disorders in the literature. This variant is rare in the general population and has been identified in 0/277264 chromosomes by the Genome Aggregation Database (gnomAD). Available evidence is insufficient to determine the role of this variant in disease conclusively.

This study involves interpretation of variants in research participants for the purpose of population health screening. Participant phenotype was not available at the time of variant classification. Additional details can be found in publication PMID: 35346344, PMCID: PMC8962531

Ambry Genetics
Classification: Likely benign for Familial thoracic aortic aneurysm and aortic dissection. Last evaluated: 2024-01-16. Review status: criteria provided, single submitter. Criteria: Ambry Variant Classification Scheme 2023. Collection method: clinical testing. Allele origin: germline.

Labcorp Genetics (formerly Invitae), Labcorp
Classification: Uncertain significance for Aortic aneurysm, familial thoracic 4. Last evaluated: 2024-01-15. Review status: criteria provided, single submitter. Criteria: Invitae Variant Classification Sherloc (09022015). Collection method: clinical testing. Allele origin: germline.
Comment: This sequence change replaces aspartic acid, which is acidic and polar, with glutamic acid, which is acidic and polar, at codon 1476 of the MYH11 protein (p.Asp1476Glu). This variant is not present in population databases (gnomAD no frequency). This variant has not been reported in the literature in individuals affected with MYH11-related conditions. ClinVar contains an entry for this variant (Variation ID: 927459). An algorithm developed to predict the effect of missense changes on protein structure and function (PolyPhen-2) suggests that this variant is likely to be tolerated. In summary, the available evidence is currently insufficient to determine the role of this variant in disease. Therefore, it has been classified as a Variant of Uncertain Significance.